The following is an entry in ClinVar:

ClinVar aggregate classification (germline): Benign. Review status: criteria provided, multiple submitters, no conflicts (2 of 4 stars). 4 submissions from 4 submitters: Benign (3). 1 of the submissions does not count toward it. Last evaluated 2026-01-27.

Conditions:
Deficiency of beta-ureidopropionase (UPB1D). Also called: Beta-ureidopropionase deficiency. Identifiers: Orphanet 65287, MedGen C1291512, MONDO:0013164, OMIM 613161.

Allele frequency attached by ClinVar (database versions not stated): gnomAD exomes 0.00076 and 0.00200; ExAC 0.00252; 1000 Genomes Project 0.00699; 1000 Genomes Project 30x 0.00734; gnomAD 0.00790 and 0.00859; TOPMed 0.00927; ESP Exome Variant Server 0.01000.
gnomAD v4.1: 2,355 of 1,614,162 alleles (0.15%); highest among the groups gnomAD compares: African/African-American, 2.8%; 23 homozygotes.

Submissions (4):

Labcorp Genetics (formerly Invitae), Labcorp
Classification: Benign. Last evaluated: 2026-01-27. Review status: criteria provided, single submitter. Criteria: Invitae Variant Classification Sherloc (09022015). Collection method: clinical testing. Allele origin: germline.

Illumina Laboratory Services, Illumina
Classification: Benign for Deficiency of beta-ureidopropionase. Last evaluated: 2018-01-13. Review status: criteria provided, single submitter. Criteria: ICSL Variant Classification Criteria 13 December 2019. Collection method: clinical testing. Allele origin: germline.
Comment: This variant was observed in the ICSL laboratory as part of a predisposition screen in an ostensibly healthy population. It had not been previously curated by ICSL or reported in the Human Gene Mutation Database (HGMD: prior to June 1st, 2018), and was therefore a candidate for classification through an automated scoring system. Utilizing variant allele frequency, disease prevalence and penetrance estimates, and inheritance mode, an automated score was calculated to assess if this variant is too frequent to cause the disease. Based on the score and internal cut-off values, a variant classified as benign is not then subjected to further curation. The score for this variant resulted in a classification of benign for this disease.

Breakthrough Genomics
Classification: Benign. Review status: criteria provided, single submitter. Criteria: ACMG Guidelines, 2015. Collection method: not provided. Allele origin: germline. Inheritance: Autosomal recessive inheritance. Affected: yes.

Diasio Lab,  Mayo Clinic
No classification provided. Review status: no classification provided. Collection method: not provided. Allele origin: unknown. Not counted in ClinVar's aggregate classification.

NM_016327.3(UPB1):c.846C>T (p.Phe282=)

Gene: UPB1 (beta-ureidopropionase 1; plus strand). Cytogenetic location: 22q11.23.
Variant type: single nucleotide variant.
Coding change: c.846C>T on transcript NM_016327.3 (MANE Select); coding-DNA position 846, C replaced by T.
Protein change: p.Phe282=; no amino-acid change (phenylalanine 282 retained).
Molecular consequence: synonymous variant.
Genome position (GRCh38, 1-based): chr22:24,520,441, C>T. VCF-style: chr22-24520441-C-T. GRCh37 (hg19) VCF-style: chr22-24916409-C-T.
Identifiers: ClinVar variation 100160 (VCV000100160.13), dbSNP rs2232867, ClinGen allele CA228241.